The following is an entry in ClinVar:

NM_020458.4(TTC7A):c.1183C>G (p.Gln395Glu)

Gene: TTC7A (tetratricopeptide repeat domain 7A; plus strand). Cytogenetic location: 2p21.
Variant type: single nucleotide variant.
Coding change: c.1183C>G on transcript NM_020458.4 (MANE Select); coding-DNA position 1183, C replaced by G.
Protein change: p.Gln395Glu; replaces glutamine 395 with glutamic acid.
Molecular consequence: missense variant.
Genome position (GRCh38, 1-based): chr2:47,006,039, C>G. VCF-style: chr2-47006039-C-G. GRCh37 (hg19) VCF-style: chr2-47233178-C-G.
Other names: c.1183C>G, p.Gln395Glu (NM_001288951.2); c.1081C>G, p.Gln361Glu (NM_001288953.2); c.121C>G, p.Gln41Glu (NM_001288955.2); short protein forms Q361E, Q395E, Q41E.
Identifiers: ClinVar variation 1022957 (VCV001022957.6), dbSNP rs556624885, ClinGen allele CA1647521.

ClinVar aggregate classification (germline): Uncertain significance (1 of 4 stars; one submission).

Conditions:
Multiple gastrointestinal atresias. Also called: FAMILIAL INTESTINAL POLYATRESIA SYNDROME; Multiple intestinal atresia. Identifiers: Orphanet 2300, MedGen C0220744, MONDO:0009465.

Allele frequency attached by ClinVar (database versions not stated): gnomAD 0.00001; gnomAD exomes 0.00001 and 0.00002; TOPMed 0.00001; ExAC 0.00002; 1000 Genomes Project 0.00020; 1000 Genomes Project 30x 0.00031.
gnomAD v4.1: 7 of 1,613,972 alleles (0.00043%); highest among the groups gnomAD compares: Admixed American, 0.0067%; no homozygotes.

Submission:

Labcorp Genetics (formerly Invitae), Labcorp
Classification: Uncertain significance for Multiple gastrointestinal atresias. Last evaluated: 2021-09-01. Review status: criteria provided, single submitter. Criteria: Invitae Variant Classification Sherloc (09022015). Collection method: clinical testing. Allele origin: germline.
Comment: This sequence change replaces glutamine with glutamic acid at codon 395 of the TTC7A protein (p.Gln395Glu). The glutamine residue is moderately conserved and there is a small physicochemical difference between glutamine and glutamic acid. This variant is present in population databases (rs556624885, ExAC 0.01%). This variant has not been reported in the literature in individuals affected with TTC7A-related conditions. Algorithms developed to predict the effect of missense changes on protein structure and function are either unavailable or do not agree on the potential impact of this missense change (SIFT: "Tolerated"; PolyPhen-2: "Probably Damaging"; Align-GVGD: "Class C0"). In summary, the available evidence is currently insufficient to determine the role of this variant in disease. Therefore, it has been classified as a Variant of Uncertain Significance.